The following is an entry in ClinVar:

ClinVar aggregate classification (germline): Conflicting classifications of pathogenicity. Review status: criteria provided, conflicting classifications (1 of 4 stars). 9 submissions from 9 submitters: Uncertain significance (5); Benign (1); Likely benign (1). 2 of the submissions do not count toward it. Last evaluated 2026-02-01.

Conditions:
PHYH-related disorder. Also called: PHYH-related condition.
Retinal dystrophy. Also called: Inherited retinal dystrophy. Identifiers: Orphanet 71862, MedGen C0854723, MeSH D058499, MONDO:0019118, HP:0000556.
Refsum disease, classic. Also called: PHYH-Related Refsum Disease; HEREDOPATHIA ATACTICA POLYNEURITIFORMIS; HMSN IV; PHYTANIC ACID OXIDASE DEFICIENCY. Identifiers: Orphanet 773, MedGen C5780941, MONDO:1060256, OMIM 266500. Disease mechanism: loss of function.

Allele frequency attached by ClinVar (database versions not stated): 1000 Genomes Project 0.00100; 1000 Genomes Project 30x 0.00109; ExAC 0.00130; gnomAD exomes 0.00130; gnomAD 0.00147 and 0.00155; TOPMed 0.00154; ESP Exome Variant Server 0.00177.
gnomAD v4.1: 3,647 of 1,614,064 alleles (0.23%); highest among the groups gnomAD compares: Non-Finnish European, 0.29%; 10 homozygotes.

Submissions (9):

Labcorp Genetics (formerly Invitae), Labcorp
Classification: Benign. Last evaluated: 2026-02-01. Review status: criteria provided, single submitter. Criteria: Invitae Variant Classification Sherloc (09022015). Collection method: clinical testing. Allele origin: germline.

Mayo Clinic Laboratories, Mayo Clinic
Classification: Uncertain significance. Last evaluated: 2025-09-10. Review status: criteria provided, single submitter. Criteria: ACMG Guidelines, 2015. Collection method: clinical testing. Allele origin: germline. Observed: 12 variant alleles.
Comment: BS1_supporting

Blueprint Genetics
Classification: Likely benign. Last evaluated: 2024-11-27. Review status: criteria provided, single submitter. Criteria: ACMG Guidelines, 2015. Collection method: clinical testing. Allele origin: germline.

CeGaT Center for Human Genetics Tuebingen
Classification: Uncertain significance. Last evaluated: 2022-04-01. Review status: criteria provided, single submitter. Criteria: CeGaT Center For Human Genetics Tuebingen Variant Classification Criteria Version 2. Collection method: clinical testing. Allele origin: germline. Affected: yes. Observed: 1 variant allele.

Institute of Human Genetics, Univ. Regensburg, Univ. Regensburg
Classification: Uncertain significance for Retinal dystrophy. Last evaluated: 2022-01-01. Review status: criteria provided, single submitter. Criteria: ACMG Guidelines, 2015. Collection method: clinical testing. Allele origin: germline. Affected: yes.

Illumina Laboratory Services, Illumina
Classification: Uncertain significance for Refsum disease, classic. Last evaluated: 2018-01-13. Review status: criteria provided, single submitter. Criteria: ICSL Variant Classification Criteria 13 December 2019. Collection method: clinical testing. Allele origin: germline.

Clinical Genetics DNA and cytogenetics Diagnostics Lab, Erasmus MC, Erasmus Medical Center
Classification: Uncertain significance for Refsum disease, classic. Last evaluated: 2014-12-12. Review status: criteria provided, single submitter. Criteria: ACGS Guidelines, 2013. Collection method: clinical testing. Allele origin: germline. Affected: yes. Study: VKGL Data-share Consensus.

PreventionGenetics, part of Exact Sciences
Classification: Likely benign for PHYH-related condition. Last evaluated: 2022-03-03. Review status: no assertion criteria provided. Collection method: clinical testing. Allele origin: germline. Not counted in ClinVar's aggregate classification.
Comment: This variant is classified as likely benign based on ACMG/AMP sequence variant interpretation guidelines (Richards et al. 2015 PMID: 25741868, with internal and published modifications).

Diagnostic Laboratory, Department of Genetics, University Medical Center Groningen
Classification: Uncertain significance. Review status: no assertion criteria provided. Collection method: clinical testing. Allele origin: germline. Affected: yes. Study: VKGL Data-share Consensus. Not counted in ClinVar's aggregate classification.

Literature cited by the submitters: PubMed 35460704 (cited by Mayo Clinic Laboratories, Mayo Clinic and Institute of Human Genetics, Univ. Regensburg, Univ. Regensburg).

NM_006214.4(PHYH):c.356C>T (p.Thr119Met)

Gene: PHYH (phytanoyl-CoA 2-hydroxylase; minus strand). Cytogenetic location: 10p13.
Variant type: single nucleotide variant.
Coding change: c.356C>T on transcript NM_006214.4 (MANE Select); coding-DNA position 356, C replaced by T.
Protein change: p.Thr119Met; replaces threonine 119 with methionine.
Molecular consequence: missense variant.
Genome position (GRCh38, 1-based): chr10:13,294,486, G>A on the plus strand (C>T on the coding strand, the complement: PHYH is on the minus strand). VCF-style: chr10-13294486-G-A. GRCh37 (hg19) VCF-style: chr10-13336486-G-A.
Other names: c.56C>T, p.Thr19Met (NM_001037537.2, NM_001323080.2, NM_001323084.2); c.356C>T, p.Thr119Met (NM_001323082.2, NM_001323083.2); short protein forms T119M, T19M.
Identifiers: ClinVar variation 299255 (VCV000299255.60), dbSNP rs34571629, ClinGen allele CA5412402.
Genomic context (GRCh38, chr10:13,294,486, plus strand): 5'-ACCTCGGGGAGAGTGCAGTATCTGAAGAGCTCCTTATCTTCCTGGAAATCCTGGACCTTC[G>A]TGATCATCTTCTCACTTGGAGCATATTCGGATTTCGAAATGGTCACATCTCTCATTACTG-3'
Protein context (NP_006205.1, residues 109-129): SEYAPSEKMI[Thr119Met]KVQDFQEDKE